The following is an entry in ClinVar:

ClinVar aggregate classification (germline): Uncertain significance (1 of 4 stars; one submission).

Conditions:
Inborn genetic diseases. Identifiers: MedGen C0950123, MeSH D030342.

Submission:

Ambry Genetics
Classification: Uncertain significance for Inborn genetic diseases. Last evaluated: 2025-04-13. Review status: criteria provided, single submitter. Criteria: Ambry Variant Classification Scheme 2023. Collection method: clinical testing. Allele origin: germline.
Comment: The p.S230A variant (also known as c.688T>G), located in coding exon 5 of the ANKRD26 gene, results from a T to G substitution at nucleotide position 688. The serine at codon 230 is replaced by alanine, an amino acid with similar properties. This amino acid position is conserved. In addition, this alteration is predicted to be tolerated by in silico analysis. Based on the available evidence, the clinical significance of this variant remains unclear.

NM_014915.3(ANKRD26):c.688T>G (p.Ser230Ala)

Gene: ANKRD26 (ankyrin repeat domain containing 26; minus strand). Cytogenetic location: 10p12.1.
Variant type: single nucleotide variant.
Coding change: c.688T>G on transcript NM_014915.3 (MANE Select); coding-DNA position 688, T replaced by G.
Protein change: p.Ser230Ala; replaces serine 230 with alanine.
Molecular consequence: missense variant.
Genome position (GRCh38, 1-based): chr10:27,086,560, A>C on the plus strand (T>G on the coding strand, the complement: ANKRD26 is on the minus strand). VCF-style: chr10-27086560-A-C. GRCh37 (hg19) VCF-style: chr10-27375489-A-C.
Other names: c.688T>G, p.Ser230Ala (NM_001256053.2); short protein forms S230A.
Identifiers: ClinVar variation 3913737 (VCV003913737.1).